The following is an entry in ClinVar:

ClinVar aggregate classification (germline): Pathogenic/Likely pathogenic. Review status: criteria provided, multiple submitters, no conflicts (2 of 4 stars). 10 submissions from 10 submitters: Pathogenic (6); Likely pathogenic (3). 1 of the submissions does not count toward it. Last evaluated 2025-02-27.

Conditions:
CLCN1-related disorder. Also called: CLCN1-related condition.
Congenital myotonia, autosomal dominant form (THD). Also called: THOMSEN DISEASE; Myotonia congenita autosomal dominant. Identifiers: Orphanet 614, MedGen C2936781, MONDO:0008055, OMIM 160800.
Congenital myotonia, autosomal recessive form. Also called: BECKER DISEASE; myotonia congenita, autosomal recessive; Becker Generalized Myotonia. Identifiers: Orphanet 614, MedGen C0751360, MONDO:0009715, OMIM 255700.

Allele frequency attached by ClinVar (database versions not stated): gnomAD exomes below 0.00001; gnomAD 0.00001; TOPMed 0.00001.
gnomAD v4.1: 8 of 1,613,992 alleles (0.0005%); highest among the groups gnomAD compares: South Asian, 0.0022%; no homozygotes.

Submissions (10):

Labcorp Genetics (formerly Invitae), Labcorp
Classification: Pathogenic for Congenital myotonia, autosomal recessive form; Congenital myotonia, autosomal dominant form. Last evaluated: 2025-02-27. Review status: criteria provided, single submitter. Criteria: Invitae Variant Classification Sherloc (09022015). Collection method: clinical testing. Allele origin: germline.
Comment: This sequence change replaces glutamic acid, which is acidic and polar, with lysine, which is basic and polar, at codon 291 of the CLCN1 protein (p.Glu291Lys). This variant is present in population databases (rs121912805, gnomAD 0.0009%). This missense change has been observed in individual(s) with autosomal recessive myotonia congenita (PMID: 8845168, 23739125, 27415035). In at least one individual the data is consistent with being in trans (on the opposite chromosome) from a pathogenic variant. It has also been observed to segregate with disease in related individuals. ClinVar contains an entry for this variant (Variation ID: 17541). Invitae Evidence Modeling of protein sequence and biophysical properties (such as structural, functional, and spatial information, amino acid conservation, physicochemical variation, residue mobility, and thermodynamic stability) indicates that this missense variant is expected to disrupt CLCN1 protein function with a positive predictive value of 95%. Experimental studies have shown that this missense change affects CLCN1 function (PMID: 8845168). For these reasons, this variant has been classified as Pathogenic.

Blueprint Genetics
Classification: Pathogenic for CLCN1-related disorders. Last evaluated: 2024-09-23. Review status: criteria provided, single submitter. Criteria: ACMG Guidelines, 2015. Collection method: clinical testing. Allele origin: germline. Affected: yes. Observed: 4 variant alleles.

Genomic Medicine Center of Excellence, King Faisal Specialist Hospital and Research Centre
Classification: Pathogenic for Congenital myotonia, autosomal dominant form. Last evaluated: 2024-04-04. Review status: criteria provided, single submitter. Criteria: ACMG Guidelines, 2015. Collection method: clinical testing. Allele origin: germline.

Fulgent Genetics
Classification: Likely pathogenic for Congenital myotonia, autosomal dominant form; Congenital myotonia, autosomal recessive form. Last evaluated: 2024-04-03. Review status: criteria provided, single submitter. Criteria: ACMG Guidelines, 2015. Collection method: clinical testing. Allele origin: germline.

Athena Diagnostics
Classification: Pathogenic. Last evaluated: 2023-10-25. Review status: criteria provided, single submitter. Criteria: Athena Diagnostics Criteria. Collection method: clinical testing. Allele origin: unknown.
Comment: The frequency of this variant in the general population is consistent with pathogenicity. This variant is primarily reported as autosomal recessive myotonia congenita (PMID: 8845168, 8533761, 24349310, 32660787, 34529042, 35170402), however, it has also been reported in individuals with possible autosomal dominant myotonia congenita (PMID: 27415035, 28662944). This variant appears to segregate with autosomal recessive disease in at least one family. Assessment of experimental evidence suggests this variant results in abnormal protein function. (PMID: 8845168, 34529042) In multiple individuals, this variant has been seen with a single recessive pathogenic variant in the same gene, suggesting this variant may also be pathogenic.

MGZ Medical Genetics Center
Classification: Likely pathogenic for Congenital myotonia, autosomal recessive form. Last evaluated: 2022-07-12. Review status: criteria provided, single submitter. Criteria: ACMG Guidelines, 2015. Collection method: clinical testing. Allele origin: germline. Affected: yes. Observed: 1 variant allele.
Comment: ACMG criteria applied: PS4_MOD, PM3, PM2_SUP, PP3

GeneDx
Classification: Pathogenic. Last evaluated: 2022-04-08. Review status: criteria provided, single submitter. Criteria: GeneDx Variant Classification Process June 2021. Collection method: clinical testing. Allele origin: germline. Affected: yes.
Comment: Published functional studies demonstrate the variant results in loss of channel activity in a recessive manner (Pusch et al., 1995); Not observed at significant frequency in large population cohorts (gnomAD); In silico analysis supports that this missense variant has a deleterious effect on protein structure/function; This variant is associated with the following publications: (PMID: 11933197, 24349310, 34790634, 10508236, 34142127, 11137655, 19185184, 9736777, 8845168, 8533761, 23739125, 35170402, 27415035, 28662944, 32660787)

Revvity Omics, Revvity
Classification: Likely pathogenic. Last evaluated: 2021-10-12. Review status: criteria provided, single submitter. Criteria: ACMG Guidelines, 2015. Collection method: clinical testing. Allele origin: germline.

Institute of Human Genetics Munich, TUM University Hospital
Classification: Pathogenic for Congenital myotonia, autosomal dominant form. Last evaluated: 2020-11-09. Review status: criteria provided, single submitter. Criteria: Classification criteria August 2017. Collection method: clinical testing. Allele origin: paternal. Inheritance: Autosomal dominant inheritance. Affected: yes. Observed: 1 variant allele.

OMIM
Classification: Pathogenic for MYOTONIA CONGENITA, AUTOSOMAL RECESSIVE. Last evaluated: 2019-06-21. Review status: no assertion criteria provided. Collection method: literature only. Allele origin: germline. Not counted in ClinVar's aggregate classification.

Literature cited by the submitters: PubMed 8845168 (cited by Labcorp Genetics (formerly Invitae), Labcorp and Athena Diagnostics); PubMed 23739125 (cited by Labcorp Genetics (formerly Invitae), Labcorp and Athena Diagnostics); PubMed 27415035 (cited by Labcorp Genetics (formerly Invitae), Labcorp and Athena Diagnostics); PubMed 35170402 (cited by Athena Diagnostics); PubMed 32660787 (cited by Athena Diagnostics); PubMed 34529042 (cited by Athena Diagnostics); PubMed 34790634 (cited by Athena Diagnostics); PubMed 24349310 (cited by Athena Diagnostics); PubMed 28662944 (cited by Athena Diagnostics); PubMed 8533761 (cited by Athena Diagnostics); PubMed 11933197 (cited by OMIM).

NM_000083.3(CLCN1):c.871G>A (p.Glu291Lys)

Gene: CLCN1 (chloride voltage-gated channel 1; plus strand). Cytogenetic location: 7q34.
Variant type: single nucleotide variant.
Coding change: c.871G>A on transcript NM_000083.3 (MANE Select); coding-DNA position 871, G replaced by A.
Protein change: p.Glu291Lys; replaces glutamic acid 291 with lysine.
Molecular consequence: missense variant. On other transcripts: non-coding transcript variant (1).
Genome position (GRCh38, 1-based): chr7:143,330,789, G>A. VCF-style: chr7-143330789-G-A. GRCh37 (hg19) VCF-style: chr7-143027882-G-A.
Other names: short protein forms E291K.
Identifiers: ClinVar variation 17541 (VCV000017541.25), dbSNP rs121912805, ClinGen allele CA258022.